The following is an entry in ClinVar:

ClinVar aggregate classification (germline): Uncertain significance (1 of 4 stars; one submission).

Conditions:
Spastic paraplegia. Identifiers: MedGen C0037772, HP:0001258.

Submission:

Labcorp Genetics (formerly Invitae), Labcorp
Classification: Uncertain significance for Spastic paraplegia. Last evaluated: 2025-10-29. Review status: criteria provided, single submitter. Criteria: Invitae Variant Classification Sherloc (09022015). Collection method: clinical testing. Allele origin: germline.
Comment: This sequence change replaces valine, which is neutral and non-polar, with isoleucine, which is neutral and non-polar, at codon 732 of the AP4E1 protein (p.Val732Ile). This variant is not present in population databases (gnomAD no frequency). This variant has not been reported in the literature in individuals affected with AP4E1-related conditions. An algorithm developed to predict the effect of missense changes on protein structure and function outputs the following: PolyPhen-2: "Benign". The isoleucine amino acid residue is found in multiple mammalian species, which suggests that this missense change does not adversely affect protein function. In summary, the available evidence is currently insufficient to determine the role of this variant in disease. Therefore, it has been classified as a Variant of Uncertain Significance.

NM_007347.5(AP4E1):c.2194G>A (p.Val732Ile)

Gene: AP4E1 (adaptor related protein complex 4 subunit epsilon 1; plus strand). Cytogenetic location: 15q21.2.
Variant type: single nucleotide variant.
Coding change: c.2194G>A on transcript NM_007347.5 (MANE Select); coding-DNA position 2194, G replaced by A.
Protein change: p.Val732Ile; replaces valine 732 with isoleucine.
Molecular consequence: missense variant.
Genome position (GRCh38, 1-based): chr15:50,993,473, G>A. VCF-style: chr15-50993473-G-A. GRCh37 (hg19) VCF-style: chr15-51285670-G-A.
Other names: c.1969G>A, p.Val657Ile (NM_001252127.2); short protein forms V657I, V732I.
Identifiers: ClinVar variation 4772851 (VCV004772851.1).